The following is an entry in ClinVar:

NM_006231.4(POLE):c.2173+9C>T

Gene: POLE (DNA polymerase epsilon, catalytic subunit; minus strand). Cytogenetic location: 12q24.33.
Variant type: single nucleotide variant.
Coding change: c.2173+9C>T on transcript NM_006231.4 (MANE Select); 9 bases into the intron after coding-DNA position 2173, C replaced by T.
Molecular consequence: intron variant.
Genome position (GRCh38, 1-based): chr12:132,668,347, G>A on the plus strand (C>T on the coding strand, the complement: POLE is on the minus strand). VCF-style: chr12-132668347-G-A. GRCh37 (hg19) VCF-style: chr12-133244933-G-A.
Identifiers: ClinVar variation 413570 (VCV000413570.11), dbSNP rs1056554121, ClinGen allele CA16613963.

ClinVar aggregate classification (germline): Likely benign. Review status: criteria provided, multiple submitters, no conflicts (2 of 4 stars). 2 submissions from 2 submitters: Likely benign (2). Last evaluated 2025-11-03.

Allele frequency attached by ClinVar (database versions not stated): TOPMed below 0.00001; gnomAD 0.00001; gnomAD exomes 0.00002.
gnomAD v4.1: 28 of 1,560,608 alleles (0.0018%); highest among the groups gnomAD compares: Non-Finnish European, 0.0023%; no homozygotes.

Submissions (2):

Labcorp Genetics (formerly Invitae), Labcorp
Classification: Likely benign. Last evaluated: 2025-11-03. Review status: criteria provided, single submitter. Criteria: Invitae Variant Classification Sherloc (09022015). Collection method: clinical testing. Allele origin: germline.

GeneDx
Classification: Likely benign. Last evaluated: 2017-02-01. Review status: criteria provided, single submitter. Criteria: GeneDx Variant Classification (06012015). Collection method: clinical testing. Allele origin: germline. Affected: yes.
Comment: This variant is considered likely benign or benign based on one or more of the following criteria: it is a conservative change, it occurs at a poorly conserved position in the protein, it is predicted to be benign by multiple in silico algorithms, and/or has population frequency not consistent with disease.